The following is an entry in ClinVar:

ClinVar aggregate classification (germline): Uncertain significance (1 of 4 stars; one submission).

Conditions:
Renal cell carcinoma (RCCP1). Identifiers: Orphanet 217071, MedGen C0007134, MeSH D002292, MONDO:0005086, HP:0005584.

Submission:

Labcorp Genetics (formerly Invitae), Labcorp
Classification: Uncertain significance for Renal cell carcinoma. Last evaluated: 2022-11-15. Review status: criteria provided, single submitter. Criteria: Invitae Variant Classification Sherloc (09022015). Collection method: clinical testing. Allele origin: unknown.
Comment: In summary, the available evidence is currently insufficient to determine the role of this variant in disease. Therefore, it has been classified as a Variant of Uncertain Significance. This variant has not been reported in the literature in individuals affected with MET-related conditions. This variant is a gross deletion of the genomic region encompassing exon(s) 2 of the MET gene, which includes the initiator codon. This deletion extends beyond the assayed region for this gene and therefore may encompass additional genes. It is expected to result in an absent or disrupted protein product. However, the current clinical and genetic evidence is not sufficient to establish whether loss-of-function variants in MET cause disease.

NC_000007.13:g.(?_116339139)_(116340358_?)del

Gene: MET (MET proto-oncogene, receptor tyrosine kinase; plus strand). Cytogenetic location: 7q31.2.
Variant type: Deletion.
Identifiers: ClinVar variation 3245622 (VCV003245622.1).